The following is an entry in ClinVar:

NM_001012301.4(ARSI):c.1095C>T (p.Ala365=)

Gene: ARSI (arylsulfatase family member I; minus strand). Cytogenetic location: 5q32.
Variant type: single nucleotide variant.
Coding change: c.1095C>T on transcript NM_001012301.4 (MANE Select); coding-DNA position 1095, C replaced by T.
Protein change: p.Ala365=; no amino-acid change (alanine 365 retained).
Molecular consequence: synonymous variant.
Genome position (GRCh38, 1-based): chr5:150,297,829, G>A on the plus strand (C>T on the coding strand, the complement: ARSI is on the minus strand). VCF-style: chr5-150297829-G-A. GRCh37 (hg19) VCF-style: chr5-149677392-G-A.
Other names: c.1095C>T (NM_001012301.3).
Identifiers: ClinVar variation 533756 (VCV000533756.10), dbSNP rs76556550, ClinGen allele CA3510170.

ClinVar aggregate classification (germline): Benign. Review status: criteria provided, single submitter (1 of 4 stars). 2 submissions from 2 submitters: Benign (1). 1 of the submissions does not count toward it. Last evaluated 2024-12-25.

Conditions:
ARSI-related disorder. Also called: ARSI-related condition.
Spastic paraplegia. Identifiers: MedGen C0037772, HP:0001258.

Allele frequency attached by ClinVar (database versions not stated): gnomAD exomes 0.00017 and 0.00037; ExAC 0.00042; gnomAD 0.00014 and 0.00021; TOPMed 0.00016; 1000 Genomes Project 30x 0.00156.
gnomAD v4.1: 294 of 1,609,072 alleles (0.018%); highest among the groups gnomAD compares: East Asian, 0.23%; 1 homozygote.

Submissions (2):

Labcorp Genetics (formerly Invitae), Labcorp
Classification: Benign for Spastic paraplegia. Last evaluated: 2024-12-25. Review status: criteria provided, single submitter. Criteria: Invitae Variant Classification Sherloc (09022015). Collection method: clinical testing. Allele origin: germline.

PreventionGenetics, part of Exact Sciences
Classification: Likely benign for ARSI-related condition. Last evaluated: 2024-04-30. Review status: no assertion criteria provided. Collection method: clinical testing. Allele origin: germline. Not counted in ClinVar's aggregate classification.
Comment: This variant is classified as likely benign based on ACMG/AMP sequence variant interpretation guidelines (Richards et al. 2015 PMID: 25741868, with internal and published modifications).